The following is an entry in ClinVar:

ClinVar aggregate classification (germline): Uncertain significance (1 of 4 stars; one submission).

Allele frequency attached by ClinVar (database versions not stated): gnomAD exomes below 0.00001 and 0.00001; ExAC 0.00001; gnomAD 0.00001 and 0.00002; TOPMed 0.00001; ESP Exome Variant Server 0.00008.
gnomAD v4.1: 7 of 1,613,944 alleles (0.00043%); highest among the groups gnomAD compares: Admixed American, 0.0017%; no homozygotes.

Submission:

Labcorp Genetics (formerly Invitae), Labcorp
Classification: Uncertain significance. Last evaluated: 2021-10-28. Review status: criteria provided, single submitter. Criteria: Invitae Variant Classification Sherloc (09022015). Collection method: clinical testing. Allele origin: germline.
Comment: In summary, the available evidence is currently insufficient to determine the role of this variant in disease. Therefore, it has been classified as a Variant of Uncertain Significance. Algorithms developed to predict the effect of missense changes on protein structure and function (SIFT, PolyPhen-2, Align-GVGD) all suggest that this variant is likely to be tolerated. This variant has not been reported in the literature in individuals affected with MCM3AP-related conditions. This variant is present in population databases (rs146480548, gnomAD 0.007%). This sequence change replaces proline, which is neutral and non-polar, with leucine, which is neutral and non-polar, at codon 1038 of the MCM3AP protein (p.Pro1038Leu).

NM_003906.5(MCM3AP):c.3113C>T (p.Pro1038Leu)

Gene: MCM3AP (minichromosome maintenance complex component 3 associated protein; minus strand). Cytogenetic location: 21q22.3.
Variant type: single nucleotide variant.
Coding change: c.3113C>T on transcript NM_003906.5 (MANE Select); coding-DNA position 3113, C replaced by T.
Protein change: p.Pro1038Leu; replaces proline 1038 with leucine.
Molecular consequence: missense variant.
Genome position (GRCh38, 1-based): chr21:46,265,442, G>A on the plus strand (C>T on the coding strand, the complement: MCM3AP is on the minus strand). VCF-style: chr21-46265442-G-A. GRCh37 (hg19) VCF-style: chr21-47685356-G-A.
Other names: short protein forms P1038L.
Identifiers: ClinVar variation 1506721 (VCV001506721.6), dbSNP rs146480548, ClinGen allele CA10076615.